The following is an entry in ClinVar:

ClinVar aggregate classification (germline): Likely benign. Review status: criteria provided, multiple submitters, no conflicts (2 of 4 stars). 3 submissions from 3 submitters: Likely benign (2). 1 of the submissions does not count toward it. Last evaluated 2026-08-01.

Conditions:
Rubinstein-Taybi syndrome (RSTS). Identifiers: Orphanet 783, MedGen C0035934, MONDO:0019188.
CREBBP-related disorder. Also called: CREBBP-related disorders; CREBBP-related condition.

Allele frequency attached by ClinVar (database versions not stated): gnomAD exomes 0.00001.
gnomAD v4.1: 15 of 1,614,122 alleles (0.00093%); highest among the groups gnomAD compares: Non-Finnish European, 0.0013%; no homozygotes.

Submissions (3):

CeGaT Center for Human Genetics Tuebingen
Classification: Likely benign. Last evaluated: 2026-08-01. Review status: criteria provided, single submitter. Criteria: CeGaT Center For Human Genetics Tuebingen Variant Classification Criteria Version 2. Collection method: clinical testing. Allele origin: germline. Affected: yes. Observed: 1 variant allele.
Comment: CREBBP: BP4, BP7

Labcorp Genetics (formerly Invitae), Labcorp
Classification: Likely benign for Rubinstein-Taybi syndrome. Last evaluated: 2023-10-23. Review status: criteria provided, single submitter. Criteria: Invitae Variant Classification Sherloc (09022015). Collection method: clinical testing. Allele origin: germline.

PreventionGenetics, part of Exact Sciences
Classification: Likely benign for CREBBP-related condition. Last evaluated: 2024-07-03. Review status: no assertion criteria provided. Collection method: clinical testing. Allele origin: germline. Not counted in ClinVar's aggregate classification.
Comment: This variant is classified as likely benign based on ACMG/AMP sequence variant interpretation guidelines (Richards et al. 2015 PMID: 25741868, with internal and published modifications).

NM_004380.3(CREBBP):c.213G>A (p.Ser71=)

Gene: CREBBP (CREB binding lysine acetyltransferase; minus strand). Cytogenetic location: 16p13.3.
Variant type: single nucleotide variant.
Coding change: c.213G>A on transcript NM_004380.3 (MANE Select); coding-DNA position 213, G replaced by A.
Protein change: p.Ser71=; no amino-acid change (serine 71 retained).
Molecular consequence: synonymous variant.
Genome position (GRCh38, 1-based): chr16:3,850,882, C>T on the plus strand (G>A on the coding strand, the complement: CREBBP is on the minus strand). VCF-style: chr16-3850882-C-T. GRCh37 (hg19) VCF-style: chr16-3900883-C-T.
Other names: c.213G>A (NM_004380.2); c.213G>A, p.Ser71= (NM_001079846.1).
Identifiers: ClinVar variation 2898343 (VCV002898343.5), dbSNP rs2141496244, ClinGen allele CA493395406.